The following is an entry in ClinVar:

ClinVar aggregate classification (germline): Benign (0 of 4 stars; one submission).

Allele frequency attached by ClinVar (database versions not stated): gnomAD 0.00002; TOPMed 0.00006.
gnomAD v4.1: 3 of 152,168 alleles (0.002%); highest among the groups gnomAD compares: Non-Finnish European, 0.0044%; no homozygotes.

Submission:

King Laboratory, University of Washington
Classification: Benign. Last evaluated: 2019-09-01. Review status: no assertion criteria provided. Collection method: research. Allele origin: germline. Affected: yes.
Comment: Transcript analysis by cBROCA

Literature cited by the submitters: PubMed 31843900.

NM_000059.4(BRCA2):c.426-252A>G

Gene: BRCA2 (BRCA2 DNA repair associated; plus strand). Cytogenetic location: 13q13.1.
Variant type: single nucleotide variant.
Coding change: c.426-252A>G on transcript NM_000059.4 (MANE Select); 252 bases into the intron before coding-DNA position 426, A replaced by G.
Molecular consequence: intron variant.
Genome position (GRCh38, 1-based): chr13:32,325,849, A>G. VCF-style: chr13-32325849-A-G. GRCh37 (hg19) VCF-style: chr13-32899986-A-G.
Identifiers: ClinVar variation 873411 (VCV000873411.2), dbSNP rs948639481, ClinGen allele CA247487842.